The following is an entry in ClinVar:

NM_000138.5(FBN1):c.3123C>T (p.His1041=)

Gene: FBN1 (fibrillin 1; minus strand). Cytogenetic location: 15q21.1.
Variant type: single nucleotide variant.
Coding change: c.3123C>T on transcript NM_000138.5 (MANE Select); coding-DNA position 3123, C replaced by T.
Protein change: p.His1041=; no amino-acid change (histidine 1041 retained).
Molecular consequence: synonymous variant.
Genome position (GRCh38, 1-based): chr15:48,488,453, G>A on the plus strand (C>T on the coding strand, the complement: FBN1 is on the minus strand). VCF-style: chr15-48488453-G-A. GRCh37 (hg19) VCF-style: chr15-48780650-G-A.
Identifiers: ClinVar variation 457189 (VCV000457189.17), dbSNP rs576395584, ClinGen allele CA049918.

ClinVar aggregate classification (germline): Likely benign. Review status: criteria provided, multiple submitters, no conflicts (2 of 4 stars). 6 submissions from 6 submitters: Likely benign (6). Last evaluated 2026-01-27.

Conditions:
Marfan syndrome (MFS). Also called: MARFAN SYNDROME, TYPE I; FBN1-Related Marfan Syndrome; Marfan syndrome type 1; Marfan's syndrome; Marfan syndrome, classic. Identifiers: Orphanet 284963, Orphanet 558, MedGen C0024796, MONDO:0007947, OMIM 154700.
Familial thoracic aortic aneurysm and aortic dissection (TAAD). Also called: Thoracic aortic aneurysms and dissections. Identifiers: Orphanet 91387, MedGen C4707243, MONDO:0019625.

Allele frequency attached by ClinVar (database versions not stated): TOPMed 0.00001.
gnomAD v4.1: 23 of 1,614,006 alleles (0.0014%); highest among the groups gnomAD compares: Admixed American, 0.005%; no homozygotes.

Submissions (6):

Labcorp Genetics (formerly Invitae), Labcorp
Classification: Likely benign for Marfan syndrome; Familial thoracic aortic aneurysm and aortic dissection. Last evaluated: 2026-01-27. Review status: criteria provided, single submitter. Criteria: Invitae Variant Classification Sherloc (09022015). Collection method: clinical testing. Allele origin: germline.

All of Us Research Program, National Institutes of Health
Classification: Likely benign for Marfan syndrome. Last evaluated: 2023-11-20. Review status: criteria provided, single submitter. Criteria: ACMG Guidelines, 2015. Collection method: clinical testing. Allele origin: germline. Inheritance: Autosomal dominant inheritance. Observed: 4 variant alleles, 4 heterozygotes.
Comment: This study involves interpretation of variants in research participants for the purpose of population health screening. Participant phenotype was not available at the time of variant classification. Additional details can be found in publication PMID: 35346344, PMCID: PMC8962531

GeneDx
Classification: Likely benign. Last evaluated: 2020-01-06. Review status: criteria provided, single submitter. Criteria: GeneDx Variant Classification Process June 2021. Collection method: clinical testing. Allele origin: germline. Affected: yes.

CHEO Genetics Diagnostic Laboratory, Children's Hospital of Eastern Ontario
Classification: Likely benign for Familial thoracic aortic aneurysm and aortic dissection. Last evaluated: 2019-12-11. Review status: criteria provided, single submitter. Criteria: ACMG Guidelines, 2015. Collection method: clinical testing. Allele origin: germline.

Ambry Genetics
Classification: Likely benign for Familial thoracic aortic aneurysm and aortic dissection. Last evaluated: 2019-06-21. Review status: criteria provided, single submitter. Criteria: Ambry Variant Classification Scheme 2023. Collection method: clinical testing. Allele origin: germline.

Color Diagnostics, LLC DBA Color Health
Classification: Likely benign for Familial thoracic aortic aneurysm and aortic dissection. Last evaluated: 2018-10-30. Review status: criteria provided, single submitter. Criteria: ACMG Guidelines, 2015. Collection method: clinical testing. Allele origin: germline.